The following is an entry in ClinVar:

ClinVar aggregate classification (germline): Uncertain significance. Review status: criteria provided, multiple submitters, no conflicts (2 of 4 stars). 4 submissions from 4 submitters: Uncertain significance (4). Last evaluated 2026-04-01.

Conditions:
Inborn genetic diseases. Identifiers: MedGen C0950123, MeSH D030342.
TTC7A-related disorder. Also called: TTC7A-related condition.
Multiple gastrointestinal atresias. Also called: FAMILIAL INTESTINAL POLYATRESIA SYNDROME; Multiple intestinal atresia. Identifiers: Orphanet 2300, MedGen C0220744, MONDO:0009465.
Intestinal malrotation. Also called: INTESTINAL MALROTATION, FAMILIAL; Volvulus of midgut; Congenital malrotation of intestine. Identifiers: Orphanet 2454, Orphanet 508410, MedGen C0221210, MONDO:0008666, OMIM 193250, HP:0002566.

Allele frequency attached by ClinVar (database versions not stated): gnomAD 0.00019 and 0.00021; TOPMed 0.00014; ExAC 0.00022; ESP Exome Variant Server 0.00023.

Submissions (4):

Rare Disease Group, Clinical Genetics, Karolinska Institutet
Classification: Uncertain significance for Intestinal malrotation. Last evaluated: 2026-04-01. Review status: criteria provided, single submitter. Criteria: ACMG Guidelines, 2015. Collection method: research. Allele origin: germline. Affected: yes.

Ambry Genetics
Classification: Uncertain significance for Inborn genetic diseases. Last evaluated: 2025-11-20. Review status: criteria provided, single submitter. Criteria: Ambry Variant Classification Scheme 2023. Collection method: clinical testing. Allele origin: germline.

PreventionGenetics, part of Exact Sciences
Classification: Uncertain significance for TTC7A-related condition. Last evaluated: 2022-12-22. Review status: criteria provided, single submitter. Criteria: ACMG Guidelines, 2015. Collection method: clinical testing. Allele origin: germline.
Comment: The TTC7A c.433G>A variant is predicted to result in the amino acid substitution p.Ala145Thr. To our knowledge, this variant has not been reported in the literature. This variant is reported in 0.043% of alleles in individuals of European (Non-Finnish) descent in gnomAD. At this time, the clinical significance of this variant is uncertain due to the absence of conclusive functional and genetic evidence.

Labcorp Genetics (formerly Invitae), Labcorp
Classification: Uncertain significance for Multiple gastrointestinal atresias. Last evaluated: 2022-09-27. Review status: criteria provided, single submitter. Criteria: Invitae Variant Classification Sherloc (09022015). Collection method: clinical testing. Allele origin: germline.
Comment: This sequence change replaces alanine, which is neutral and non-polar, with threonine, which is neutral and polar, at codon 145 of the TTC7A protein (p.Ala145Thr). This variant is present in population databases (rs201163893, gnomAD 0.04%). This variant has not been reported in the literature in individuals affected with TTC7A-related conditions. ClinVar contains an entry for this variant (Variation ID: 528463). Advanced modeling of protein sequence and biophysical properties (such as structural, functional, and spatial information, amino acid conservation, physicochemical variation, residue mobility, and thermodynamic stability) performed at Invitae indicates that this missense variant is not expected to disrupt TTC7A protein function. In summary, the available evidence is currently insufficient to determine the role of this variant in disease. Therefore, it has been classified as a Variant of Uncertain Significance.

NM_020458.4(TTC7A):c.433G>A (p.Ala145Thr)

Gene: TTC7A (tetratricopeptide repeat domain 7A; plus strand). Cytogenetic location: 2p21.
Variant type: single nucleotide variant.
Coding change: c.433G>A on transcript NM_020458.4 (MANE Select); coding-DNA position 433, G replaced by A.
Protein change: p.Ala145Thr; replaces alanine 145 with threonine.
Molecular consequence: missense variant. On other transcripts: 5 prime UTR variant (1).
Genome position (GRCh38, 1-based): chr2:46,956,923, G>A. VCF-style: chr2-46956923-G-A. GRCh37 (hg19) VCF-style: chr2-47184062-G-A.
Other names: c.433G>A, p.Ala145Thr (LRG_1323t1, NM_001288951.2); c.331G>A, p.Ala111Thr (NM_001288953.2); c.-472G>A (NM_001288955.2); c.433G>A (NM_020458.2); short protein forms A145T, A111T.
Identifiers: ClinVar variation 528463 (VCV000528463.11), dbSNP rs201163893, ClinGen allele CA1647156.
Genomic context (GRCh38, chr2:46,956,923, plus strand): 5'-CTGATCCTGGGCAAACTGCATTACGTGGAGGGCTCATACCGAGATGCCATCAGCATGTAC[G>A]CACGGGCCGGGATTGATGACATGTCCATGGAGAACAAGCCCCTGTATCAGATGCGGCTGC-3'
Protein context (NP_065191.2, residues 135-155): GSYRDAISMY[Ala145Thr]RAGIDDMSME